The following is an entry in ClinVar:

NM_024795.4(TM4SF20):c.32A>G (p.Asn11Ser)

Gene: TM4SF20 (transmembrane 4 L six family member 20; minus strand). Cytogenetic location: 2q36.3.
Variant type: single nucleotide variant.
Coding change: c.32A>G on transcript NM_024795.4 (MANE Select); coding-DNA position 32, A replaced by G.
Protein change: p.Asn11Ser; replaces asparagine 11 with serine.
Molecular consequence: missense variant.
Genome position (GRCh38, 1-based): chr2:227,379,237, T>C on the plus strand (A>G on the coding strand, the complement: TM4SF20 is on the minus strand). VCF-style: chr2-227379237-T-C. GRCh37 (hg19) VCF-style: chr2-228243953-T-C.
Other names: short protein forms N11S.
Identifiers: ClinVar variation 1913669 (VCV001913669.5), dbSNP rs756737873, ClinGen allele CA2148336.

ClinVar aggregate classification (germline): Uncertain significance (1 of 4 stars; one submission).

Allele frequency attached by ClinVar (database versions not stated): gnomAD exomes below 0.00001; gnomAD 0.00001; ExAC 0.00002.
gnomAD v4.1: 7 of 1,614,042 alleles (0.00043%); highest among the groups gnomAD compares: Non-Finnish European, 0.00059%; no homozygotes.

Submission:

Labcorp Genetics (formerly Invitae), Labcorp
Classification: Uncertain significance. Last evaluated: 2024-12-07. Review status: criteria provided, single submitter. Criteria: Invitae Variant Classification Sherloc (09022015). Collection method: clinical testing. Allele origin: germline.
Comment: This sequence change replaces asparagine, which is neutral and polar, with serine, which is neutral and polar, at codon 11 of the TM4SF20 protein (p.Asn11Ser). This variant is present in population databases (rs756737873, gnomAD 0.002%). This variant has not been reported in the literature in individuals affected with TM4SF20-related conditions. ClinVar contains an entry for this variant (Variation ID: 1913669). An algorithm developed to predict the effect of missense changes on protein structure and function (PolyPhen-2) suggests that this variant is likely to be disruptive. In summary, the available evidence is currently insufficient to determine the role of this variant in disease. Therefore, it has been classified as a Variant of Uncertain Significance.